The following is an entry in ClinVar:

NM_012281.3(KCND2):c.688T>G (p.Phe230Val)

Gene: KCND2 (potassium voltage-gated channel subfamily D member 2; plus strand). Cytogenetic location: 7q31.31.
Variant type: single nucleotide variant.
Coding change: c.688T>G on transcript NM_012281.3 (MANE Select); coding-DNA position 688, T replaced by G.
Protein change: p.Phe230Val; replaces phenylalanine 230 with valine.
Molecular consequence: missense variant.
Genome position (GRCh38, 1-based): chr7:120,275,320, T>G. VCF-style: chr7-120275320-T-G. GRCh37 (hg19) VCF-style: chr7-119915374-T-G.
Other names: short protein forms F230V.
Identifiers: ClinVar variation 2172926 (VCV002172926.4), dbSNP rs113270247, ClinGen allele CA4453528.

ClinVar aggregate classification (germline): Uncertain significance (1 of 4 stars; one submission).

Conditions:
Early Myoclonic Encephalopathy. Identifiers: MedGen C0270855.

gnomAD v4.1: 2 of 1,613,694 alleles (0.00012%); highest among the groups gnomAD compares: African/African-American, 0.0027%; no homozygotes.

Submission:

Labcorp Genetics (formerly Invitae), Labcorp
Classification: Uncertain significance for Early Myoclonic Encephalopathy. Last evaluated: 2023-11-27. Review status: criteria provided, single submitter. Criteria: Invitae Variant Classification Sherloc (09022015). Collection method: clinical testing. Allele origin: germline.
Comment: This sequence change replaces phenylalanine, which is neutral and non-polar, with valine, which is neutral and non-polar, at codon 230 of the KCND2 protein (p.Phe230Val). This variant is present in population databases (rs113270247, gnomAD 0.01%). This missense change has been observed in individual(s) with clinical features of KCND2-related conditions (Invitae). ClinVar contains an entry for this variant (Variation ID: 2172926). Advanced modeling of protein sequence and biophysical properties (such as structural, functional, and spatial information, amino acid conservation, physicochemical variation, residue mobility, and thermodynamic stability) has been performed at Invitae for this missense variant, however the output from this modeling did not meet the statistical confidence thresholds required to predict the impact of this variant on KCND2 protein function. In summary, the available evidence is currently insufficient to determine the role of this variant in disease. Therefore, it has been classified as a Variant of Uncertain Significance.